The following is an entry in ClinVar:

NM_015338.6(ASXL1):c.1123G>T (p.Val375Leu)

Gene: ASXL1 (ASXL transcriptional regulator 1; plus strand). Cytogenetic location: 20q11.21.
Variant type: single nucleotide variant.
Coding change: c.1123G>T on transcript NM_015338.6 (MANE Select); coding-DNA position 1123, G replaced by T.
Protein change: p.Val375Leu; replaces valine 375 with leucine.
Molecular consequence: missense variant.
Genome position (GRCh38, 1-based): chr20:32,433,321, G>T. VCF-style: chr20-32433321-G-T. GRCh37 (hg19) VCF-style: chr20-31021124-G-T.
Other names: c.940G>T, p.Val314Leu (NM_001363734.1); short protein forms V314L, V375L.
Identifiers: ClinVar variation 1720688 (VCV001720688.5), dbSNP rs748644253, ClinGen allele CA313925348.

ClinVar aggregate classification (germline): Uncertain significance (1 of 4 stars; one submission).

gnomAD v4.1: 1 of 1,614,186 alleles (0.000062%); highest among the groups gnomAD compares: Non-Finnish European, 0.000085%; no homozygotes.

Submission:

Labcorp Genetics (formerly Invitae), Labcorp
Classification: Uncertain significance. Last evaluated: 2022-09-29. Review status: criteria provided, single submitter. Criteria: Invitae Variant Classification Sherloc (09022015). Collection method: clinical testing. Allele origin: germline.
Comment: This variant is not present in population databases (gnomAD no frequency). This sequence change replaces valine, which is neutral and non-polar, with leucine, which is neutral and non-polar, at codon 375 of the ASXL1 protein (p.Val375Leu). This variant has not been reported in the literature in individuals affected with ASXL1-related conditions. In summary, the available evidence is currently insufficient to determine the role of this variant in disease. Therefore, it has been classified as a Variant of Uncertain Significance. Algorithms developed to predict the effect of missense changes on protein structure and function output the following: SIFT: "Tolerated"; PolyPhen-2: "Benign"; Align-GVGD: "Class C0". The leucine amino acid residue is found in multiple mammalian species, which suggests that this missense change does not adversely affect protein function.